The following is an entry in ClinVar:

ClinVar aggregate classification (germline): Likely benign (1 of 4 stars; one submission).

Conditions:
PLXNA3-related disorder. Also called: PLXNA3-related condition.

gnomAD v4.1: 8 of 1,206,909 alleles (0.00066%); highest among the groups gnomAD compares: African/African-American, 0.012%; no homozygotes.

Submission:

PreventionGenetics, part of Exact Sciences
Classification: Likely benign for PLXNA3-related condition. Last evaluated: 2025-10-13. Review status: criteria provided, single submitter. Criteria: ACMG Guidelines, 2015. Collection method: clinical testing. Allele origin: germline.
Comment: This variant is classified as likely benign based on ACMG/AMP sequence variant interpretation guidelines (Richards et al. 2015 PMID: 25741868, with internal and published modifications).

NM_017514.5(PLXNA3):c.102C>T (p.Thr34=)

Gene: PLXNA3 (plexin A3; plus strand). Cytogenetic location: Xq28.
Variant type: single nucleotide variant.
Coding change: c.102C>T on transcript NM_017514.5 (MANE Select); coding-DNA position 102, C replaced by T.
Protein change: p.Thr34=; no amino-acid change (threonine 34 retained).
Molecular consequence: synonymous variant.
Genome position (GRCh38, 1-based): chrX:154,460,285, C>T. VCF-style: chrX-154460285-C-T. GRCh37 (hg19) VCF-style: chrX-153688625-C-T.
Identifiers: ClinVar variation 4988067 (VCV004988067.1).
Genomic context (GRCh38, chrX:154,460,285, plus strand): 5'-GGGGGGGGCCCTGGGCAACAGGCCCTTCCGTGCCTTCGTGGTGACAGACACCACGCTTAC[C>T]CACCTGGCTGTGCACCGGGTGACTGGGGAGGTGTTCGTGGGCGCAGTGAACCGAGTCTTT-3'
Protein context (NP_059984.3, residues 24-44): RAFVVTDTTL[Thr34=]HLAVHRVTGE